The following is an entry in ClinVar:

ClinVar aggregate classification (germline): Likely benign (1 of 4 stars; one submission).

Allele frequency attached by ClinVar (database versions not stated): ESP Exome Variant Server 0.00008; 1000 Genomes Project 30x 0.00016; 1000 Genomes Project 0.00020.
gnomAD v4.1: 78 of 1,611,174 alleles (0.0048%); highest among the groups gnomAD compares: African/African-American, 0.016%; no homozygotes.

Submission:

CeGaT Center for Human Genetics Tuebingen
Classification: Likely benign. Last evaluated: 2023-01-01. Review status: criteria provided, single submitter. Criteria: CeGaT Center For Human Genetics Tuebingen Variant Classification Criteria Version 2. Collection method: clinical testing. Allele origin: germline. Affected: yes. Observed: 1 variant allele.
Comment: ADAMTS16: BP4, BP7

NM_139056.4(ADAMTS16):c.1071C>T (p.His357=)

Gene: ADAMTS16 (ADAM metallopeptidase with thrombospondin type 1 motif 16; plus strand). Cytogenetic location: 5p15.32.
Variant type: single nucleotide variant.
Coding change: c.1071C>T on transcript NM_139056.4 (MANE Select); coding-DNA position 1071, C replaced by T.
Protein change: p.His357=; no amino-acid change (histidine 357 retained).
Molecular consequence: synonymous variant. On other transcripts: non-coding transcript variant (1).
Genome position (GRCh38, 1-based): chr5:5,189,994, C>T. VCF-style: chr5-5189994-C-T. GRCh37 (hg19) VCF-style: chr5-5190107-C-T.
Identifiers: ClinVar variation 2655283 (VCV002655283.24), dbSNP rs372920104, ClinGen allele CA3189536.
Genomic context (GRCh38, chr5:5,189,994, plus strand): 5'-ATTATCATGGGGTCCTCGGTCCTTGTCTCTTGCACAGCCAGGACTGGTGATAAGTCACCA[C>T]GCAGACCACACCTTAAGTAGCTTCTGCCAGTGGCAGTCTGGATTGATGGGGAAAGATGGG-3'
Protein context (NP_620687.2, residues 347-367): DEQPGLVISH[His357=]ADHTLSSFCQ